The following is an entry in ClinVar:

ClinVar aggregate classification (germline): Pathogenic (1 of 4 stars; one submission).

Conditions:
Neuropathy, hereditary sensory and autonomic, type 2A (HSAN2A). Also called: ACROOSTEOLYSIS, GIACCAI TYPE; ACROOSTEOLYSIS, NEUROGENIC; WNK1-Related HSAN2 (HSAN2A); MORVAN DISEASE; NEUROPATHY, CONGENITAL SENSORY; NEUROPATHY, HEREDITARY SENSORY RADICULAR, AUTOSOMAL RECESSIVE. Identifiers: Orphanet 970, MedGen C2752089, MONDO:0024309, OMIM 201300.
Generalized epilepsy with febrile seizures plus, type 7 (GEFSP7). Also called: GEFS+, TYPE 7. Identifiers: Orphanet 36387, MedGen C2751778, MONDO:0013470, OMIM 613863.

Allele frequency attached by ClinVar (database versions not stated): TOPMed 0.00001; gnomAD 0.00002.
gnomAD v4.1: 8 of 1,613,848 alleles (0.0005%); highest among the groups gnomAD compares: South Asian, 0.0011%; no homozygotes.

Submission:

Labcorp Genetics (formerly Invitae), Labcorp
Classification: Pathogenic for Neuropathy, hereditary sensory and autonomic, type 2A; Generalized epilepsy with febrile seizures plus, type 7. Last evaluated: 2023-12-12. Review status: criteria provided, single submitter. Criteria: Invitae Variant Classification Sherloc (09022015). Collection method: clinical testing. Allele origin: germline.
Comment: This sequence change creates a premature translational stop signal (p.Arg597*) in the SCN9A gene. It is expected to result in an absent or disrupted protein product. Loss-of-function variants in SCN9A are known to be pathogenic (PMID: 17470132, 19304393). This variant is present in population databases (no rsID available, gnomAD 0.03%). This variant has not been reported in the literature in individuals affected with SCN9A-related conditions. For these reasons, this variant has been classified as Pathogenic.

Literature cited by the submitters: PubMed 17470132; PubMed 19304393.

NM_001365536.1(SCN9A):c.1789C>T (p.Arg597Ter)

Genes: SCN9A (sodium voltage-gated channel alpha subunit 9; minus strand), SCN1A-AS1 (SCN1A and SCN9A antisense RNA 1; plus strand). Cytogenetic location: 2q24.3.
Variant type: single nucleotide variant.
Coding change: c.1789C>T on transcript NM_001365536.1 (MANE Select); coding-DNA position 1789, C replaced by T.
Protein change: p.Arg597Ter; replaces arginine 597 with a stop codon.
Molecular consequence: nonsense.
Genome position (GRCh38, 1-based): chr2:166,284,638, G>A on the plus strand (C>T on the coding strand, the complement: SCN9A is on the minus strand). VCF-style: chr2-166284638-G-A. GRCh37 (hg19) VCF-style: chr2-167141148-G-A.
Other names: c.1789C>T, p.Arg597Ter (NM_002977.4); short protein forms R597*.
Identifiers: ClinVar variation 2930069 (VCV002930069.3), dbSNP rs1448265143, ClinGen allele CA349083219.